The following is an entry in ClinVar:

ClinVar aggregate classification (germline): Uncertain significance. Review status: criteria provided, multiple submitters, no conflicts (2 of 4 stars). 2 submissions from 2 submitters: Uncertain significance (2). Last evaluated 2025-07-05.

Conditions:
Hereditary cancer-predisposing syndrome. Also called: Neoplastic Syndromes, Hereditary; Hereditary Cancer Syndrome; Hereditary neoplastic syndrome; Tumor predisposition. Identifiers: Orphanet 140162, MedGen C0027672, MeSH D009386, MONDO:0015356.
Renal cell carcinoma. Identifiers: Orphanet 217071, MedGen C0007134, MeSH D002292, MONDO:0005086, HP:0005584.

Submissions (2):

Ambry Genetics
Classification: Uncertain significance for Hereditary cancer-predisposing syndrome. Last evaluated: 2025-07-05. Review status: criteria provided, single submitter. Criteria: Ambry Variant Classification Scheme 2023. Collection method: clinical testing. Allele origin: germline.
Comment: The p.K567R variant (also known as c.1700A>G), located in coding exon 4 of the MET gene, results from an A to G substitution at nucleotide position 1700. The lysine at codon 567 is replaced by arginine, an amino acid with highly similar properties. This amino acid position is conserved. In addition, this alteration is predicted to be tolerated by in silico analysis. Since supporting evidence is limited at this time, the clinical significance of this alteration remains unclear.

Labcorp Genetics (formerly Invitae), Labcorp
Classification: Uncertain significance for Renal cell carcinoma. Last evaluated: 2024-09-08. Review status: criteria provided, single submitter. Criteria: Invitae Variant Classification Sherloc (09022015). Collection method: clinical testing. Allele origin: germline.
Comment: This sequence change replaces lysine, which is basic and polar, with arginine, which is basic and polar, at codon 567 of the MET protein (p.Lys567Arg). This variant is not present in population databases (gnomAD no frequency). This variant has not been reported in the literature in individuals affected with MET-related conditions. ClinVar contains an entry for this variant (Variation ID: 1438593). An algorithm developed to predict the effect of missense changes on protein structure and function (PolyPhen-2) suggests that this variant is likely to be tolerated. In summary, the available evidence is currently insufficient to determine the role of this variant in disease. Therefore, it has been classified as a Variant of Uncertain Significance.

NM_000245.4(MET):c.1700A>G (p.Lys567Arg)

Gene: MET (MET proto-oncogene, receptor tyrosine kinase; plus strand). Cytogenetic location: 7q31.2.
Variant type: single nucleotide variant.
Coding change: c.1700A>G on transcript NM_000245.4 (MANE Select); coding-DNA position 1700, A replaced by G.
Protein change: p.Lys567Arg; replaces lysine 567 with arginine.
Molecular consequence: missense variant.
Genome position (GRCh38, 1-based): chr7:116,741,024, A>G. VCF-style: chr7-116741024-A-G. GRCh37 (hg19) VCF-style: chr7-116381078-A-G.
Other names: c.1700A>G, p.Lys567Arg (NM_001127500.3, NM_001324401.3); c.410A>G, p.Lys137Arg (NM_001324402.2); c.1700A>G (NM_001127500.1); short protein forms K567R, K137R.
Identifiers: ClinVar variation 1438593 (VCV001438593.10), dbSNP rs1793429138, ClinGen allele CA368975935.